The following is an entry in ClinVar:

NM_000329.3(RPE65):c.7A>G (p.Ile3Val)

Gene: RPE65 (retinoid isomerohydrolase RPE65; minus strand). Cytogenetic location: 1p31.3.
Variant type: single nucleotide variant.
Coding change: c.7A>G on transcript NM_000329.3 (MANE Select); coding-DNA position 7, A replaced by G.
Protein change: p.Ile3Val; replaces isoleucine 3 with valine.
Molecular consequence: missense variant.
Genome position (GRCh38, 1-based): chr1:68,449,899, T>C on the plus strand (A>G on the coding strand, the complement: RPE65 is on the minus strand). VCF-style: chr1-68449899-T-C. GRCh37 (hg19) VCF-style: chr1-68915582-T-C.
Other names: short protein forms I3V.
Identifiers: ClinVar variation 965142 (VCV000965142.7), dbSNP rs777461552, ClinGen allele CA902661.

ClinVar aggregate classification (germline): Uncertain significance. Review status: criteria provided, multiple submitters, no conflicts (2 of 4 stars). 3 submissions from 3 submitters: Uncertain significance (2). 1 of the submissions does not count toward it. Last evaluated 2024-04-04.

Conditions:
Leber congenital amaurosis 2 (LCA2). Also called: AMAUROSIS CONGENITA OF LEBER II; Autosomal Recessive RPE65-Related Retinal Degeneration. Identifiers: Orphanet 65, MedGen C1859844, MONDO:0008765, OMIM 204100. Disease mechanism: loss of function.
Retinitis pigmentosa 20 (RP20). Identifiers: Orphanet 791, MedGen C3151086, MONDO:0013425, OMIM 613794.
Leber congenital amaurosis (LCA). Also called: Leber's amaurosis. Identifiers: Orphanet 65, MedGen C0339527, MeSH D057130, MONDO:0018998.

Allele frequency attached by ClinVar (database versions not stated): gnomAD exomes below 0.00001 and 0.00002; ExAC 0.00001; gnomAD 0.00001; TOPMed 0.00001.
gnomAD v4.1: 29 of 1,614,056 alleles (0.0018%); highest among the groups gnomAD compares: Non-Finnish European, 0.0024%; no homozygotes.

Submissions (3):

Blueprint Genetics
Classification: Uncertain significance. Last evaluated: 2024-04-04. Review status: criteria provided, single submitter. Criteria: ACMG Guidelines, 2015. Collection method: clinical testing. Allele origin: germline.

Labcorp Genetics (formerly Invitae), Labcorp
Classification: Uncertain significance for Leber congenital amaurosis 2; Retinitis pigmentosa 20. Last evaluated: 2023-08-29. Review status: criteria provided, single submitter. Criteria: Invitae Variant Classification Sherloc (09022015). Collection method: clinical testing. Allele origin: germline.
Comment: Advanced modeling of protein sequence and biophysical properties (such as structural, functional, and spatial information, amino acid conservation, physicochemical variation, residue mobility, and thermodynamic stability) has been performed at Invitae for this missense variant, however the output from this modeling did not meet the statistical confidence thresholds required to predict the impact of this variant on RPE65 protein function. ClinVar contains an entry for this variant (Variation ID: 965142). This variant has not been reported in the literature in individuals affected with RPE65-related conditions. This variant is present in population databases (rs777461552, gnomAD 0.0009%). This sequence change replaces isoleucine, which is neutral and non-polar, with valine, which is neutral and non-polar, at codon 3 of the RPE65 protein (p.Ile3Val). In summary, the available evidence is currently insufficient to determine the role of this variant in disease. Therefore, it has been classified as a Variant of Uncertain Significance.

Natera, Inc.
Classification: Uncertain significance for Leber congenital amaurosis. Last evaluated: 2020-04-30. Review status: no assertion criteria provided. Collection method: clinical testing. Allele origin: germline. Not counted in ClinVar's aggregate classification.